The following is an entry in ClinVar:

ClinVar aggregate classification (germline): Pathogenic (1 of 4 stars; one submission).

Submission:

Labcorp Genetics (formerly Invitae), Labcorp
Classification: Pathogenic. Last evaluated: 2025-07-21. Review status: criteria provided, single submitter. Criteria: Invitae Variant Classification Sherloc (09022015). Collection method: clinical testing. Allele origin: germline.
Comment: This sequence change creates a premature translational stop signal (p.Glu62*) in the GPAA1 gene. It is expected to result in an absent or disrupted protein product. Loss-of-function variants in GPAA1 are known to be pathogenic (PMID: 29100095). This variant is not present in population databases (gnomAD no frequency). This variant has not been reported in the literature in individuals affected with GPAA1-related conditions. ClinVar contains an entry for this variant (Variation ID: 2005928). For these reasons, this variant has been classified as Pathogenic.

Literature cited by the submitters: PubMed 29100095.

NM_003801.4(GPAA1):c.184G>T (p.Glu62Ter)

Gene: GPAA1 (glycosylphosphatidylinositol anchor attachment 1; plus strand). Cytogenetic location: 8q24.3.
Variant type: single nucleotide variant.
Coding change: c.184G>T on transcript NM_003801.4 (MANE Select); coding-DNA position 184, G replaced by T.
Protein change: p.Glu62Ter; replaces glutamic acid 62 with a stop codon.
Molecular consequence: nonsense.
Genome position (GRCh38, 1-based): chr8:144,083,233, G>T. VCF-style: chr8-144083233-G-T. GRCh37 (hg19) VCF-style: chr8-145138136-G-T.
Other names: short protein forms E62*.
Identifiers: ClinVar variation 2005928 (VCV002005928.4), dbSNP rs2537314001, ClinGen allele CA372597587.